The following is an entry in ClinVar:

NM_000350.3(ABCA4):c.3055A>G (p.Thr1019Ala)

Gene: ABCA4 (ATP binding cassette subfamily A member 4; minus strand). Cytogenetic location: 1p22.1.
Variant type: single nucleotide variant.
Coding change: c.3055A>G on transcript NM_000350.3 (MANE Select); coding-DNA position 3055, A replaced by G.
Protein change: p.Thr1019Ala; replaces threonine 1019 with alanine.
Molecular consequence: missense variant.
Genome position (GRCh38, 1-based): chr1:94,043,471, T>C on the plus strand (A>G on the coding strand, the complement: ABCA4 is on the minus strand). VCF-style: chr1-94043471-T-C. GRCh37 (hg19) VCF-style: chr1-94509027-T-C.
Other names: c.2833A>G, p.Thr945Ala (NM_001425324.1); short protein forms T1019A, T945A.
Identifiers: ClinVar variation 99194 (VCV000099194.6), dbSNP rs61749457, ClinGen allele CA227075.

ClinVar aggregate classification (germline): Pathogenic/Likely pathogenic. Review status: criteria provided, multiple submitters, no conflicts (2 of 4 stars). 5 submissions from 5 submitters: Pathogenic (2); Likely pathogenic (2). 1 of the submissions does not count toward it. Last evaluated 2026-01-26.

Conditions:
ABCA4-related retinopathy. Also called: ABCA4-related retinoapthy; ABCA4 retinoapthy. Identifiers: MedGen CN322612, MONDO:0800406.
ABCA4-related disorder. Also called: ABCA4-related condition; ABCA4-related disorders. Identifiers: MedGen CN239167.
Cone-rod dystrophy 3 (CORD3). Identifiers: Orphanet 1872, MedGen C1858806, MONDO:0011395, OMIM 604116.
Age related macular degeneration 2. Also called: MACULAR DEGENERATION, SENILE; MACULOPATHY, AGE-RELATED, 2; MACULOPATHY, AGE-RELATED. Identifiers: MedGen C3495438, MONDO:0007932, OMIM 153800.
Retinitis pigmentosa 19 (RP19). Also called: ABCA4-Related Retinitis Pigmentosa. Identifiers: Orphanet 791, MedGen C1866422, MONDO:0011137, OMIM 601718.
Severe early-childhood-onset retinal dystrophy (STGD1). Also called: MACULAR DYSTROPHY WITH FLECKS, TYPE 1; STGD; Stargardt disease 1; Stargardt macular dystrophy; Juvenile onset macular degeneration. Identifiers: Orphanet 364055, Orphanet 827, MedGen C1855465, MeSH D000080362, MONDO:0009549, OMIM 248200.

Allele frequency attached by ClinVar (database versions not stated): gnomAD exomes below 0.00001.
gnomAD v4.1: 1 of 1,614,150 alleles (0.000062%); highest among the groups gnomAD compares: East Asian, 0.0022%; no homozygotes.

Submissions (5):

Medical and Scientific Branch, Hong Kong Genome Institute
Classification: Likely pathogenic for ABCA4-related retinopathy. Last evaluated: 2026-01-26. Review status: criteria provided, single submitter. Criteria: ACMG Guidelines, 2015. Collection method: clinical testing. Allele origin: unknown. Affected: yes.

Blueprint Genetics
Classification: Likely pathogenic for ABCA4-related disorders. Last evaluated: 2021-11-16. Review status: criteria provided, single submitter. Criteria: ACMG Guidelines, 2015. Collection method: clinical testing. Allele origin: germline. Affected: yes. Observed: 2 variant alleles.

GeneDx
Classification: Pathogenic. Last evaluated: 2015-03-18. Review status: criteria provided, single submitter. Criteria: GeneDx Variant Classification (06012015). Collection method: clinical testing. Allele origin: germline. Affected: yes.
Comment: The T1019A missense variant in the ABCA4 gene has been reported previously in association withStargardt disease (Webster et al.,2001). The T1019A variant was not observed in approximately 6,500individuals of European and African American ancestry in the NHLBI Exome Sequencing Project,indicating it is not a common benign variant in these populations. Additionally, another missense variant atthe same residue (T1019M) has been reported in the Human Gene Mutation Database in association withStargardt disease (Stenson et al., 2014), supporting the functional importance of this region of the protein. Therefore, we consider T1019A to be a pathogenic variant.

Juno Genomics, Hangzhou Juno Genomics, Inc
Classification: Pathogenic for Age related macular degeneration 2; Cone-rod dystrophy 3; Severe early-childhood-onset retinal dystrophy; Retinitis pigmentosa 19. Review status: criteria provided, single submitter. Criteria: ACMG Guidelines, 2015. Collection method: clinical testing. Allele origin: germline. Affected: yes.
Comment: Absent from controls (or at extremely low frequency if recessive) in Genome Aggregation Database, Exome Sequencing Project, 1000 Genomes Project, or Exome Aggregation Consortium.;Multiple lines of computational evidence support a deleterious effect on the gene or gene product (conservation, evolutionary, splicing impact, etc).;For recessive disorders, detected in trans with a pathogenic variant.;Patient's phenotype or family history is highly specific for a disease with a single genetic etiology.

Retina International
No classification provided. Review status: no classification provided. Collection method: not provided. Allele origin: not provided. Not counted in ClinVar's aggregate classification.